The following is an entry in ClinVar:

NM_001330260.2(SCN8A):c.2799G>T (p.Leu933Phe)

Gene: SCN8A (sodium voltage-gated channel alpha subunit 8; plus strand). Cytogenetic location: 12q13.13.
Variant type: single nucleotide variant.
Coding change: c.2799G>T on transcript NM_001330260.2 (MANE Select); coding-DNA position 2799, G replaced by T.
Protein change: p.Leu933Phe; replaces leucine 933 with phenylalanine.
Molecular consequence: missense variant.
Genome position (GRCh38, 1-based): chr12:51,765,925, G>T. VCF-style: chr12-51765925-G-T. GRCh37 (hg19) VCF-style: chr12-52159709-G-T.
Other names: c.2799G>T, p.Leu933Phe (NM_001177984.3, NM_001369788.1, NM_014191.4); short protein forms L933F.
Identifiers: ClinVar variation 956913 (VCV000956913.10), dbSNP rs774522197, ClinGen allele CA384888959.
Genomic context (GRCh38, chr12:51,765,925, plus strand): 5'-ACTCCCTCGCTGGCATATGCATGACTTTTTCCATTCCTTCCTCATTGTCTTTCGAGTGTT[G>T]TGCGGGGAGTGGATTGAGACCATGTGGGACTGCATGGAAGTGGCAGGCCAGGCCATGTGC-3'
Protein context (NP_001317189.1, residues 923-943): FHSFLIVFRV[Leu933Phe]CGEWIETMWD

ClinVar aggregate classification (germline): Pathogenic (1 of 4 stars; one submission).

Conditions:
Early-infantile DEE. Also called: Early infantile epileptic encephalopathy; Ohtahara syndrome; Early infantile epileptic encephalopathy with suppression bursts. Identifiers: Orphanet 1934, MedGen C0393706, MONDO:0800491.

Submission:

Labcorp Genetics (formerly Invitae), Labcorp
Classification: Pathogenic for Early-infantile DEE. Last evaluated: 2024-02-24. Review status: criteria provided, single submitter. Criteria: Invitae Variant Classification Sherloc (09022015). Collection method: clinical testing. Allele origin: germline.
Comment: This sequence change replaces leucine, which is neutral and non-polar, with phenylalanine, which is neutral and non-polar, at codon 933 of the SCN8A protein (p.Leu933Phe). This variant is not present in population databases (gnomAD no frequency). This missense change has been observed in individual(s) with clinical features of SCN8A-related conditions (Invitae). In at least one individual the variant was observed to be de novo. ClinVar contains an entry for this variant (Variation ID: 956913). Advanced modeling of protein sequence and biophysical properties (such as structural, functional, and spatial information, amino acid conservation, physicochemical variation, residue mobility, and thermodynamic stability) performed at Invitae indicates that this missense variant is expected to disrupt SCN8A protein function with a positive predictive value of 95%. For these reasons, this variant has been classified as Pathogenic.